The following is an entry in ClinVar:

NM_198503.5(KCNT2):c.862G>T (p.Gly288Ter)

Gene: KCNT2 (potassium sodium-activated channel subfamily T member 2; minus strand). Cytogenetic location: 1q31.3.
Variant type: single nucleotide variant.
Coding change: c.862G>T on transcript NM_198503.5 (MANE Select); coding-DNA position 862, G replaced by T.
Protein change: p.Gly288Ter; replaces glycine 288 with a stop codon.
Molecular consequence: nonsense. On other transcripts: non-coding transcript variant (2).
Genome position (GRCh38, 1-based): chr1:196,428,227, C>A on the plus strand (G>T on the coding strand, the complement: KCNT2 is on the minus strand). VCF-style: chr1-196428227-C-A. GRCh37 (hg19) VCF-style: chr1-196397357-C-A.
Other names: c.862G>T, p.Gly288Ter (NM_001287819.3, NM_001287820.3); short protein forms G288*.
Identifiers: ClinVar variation 2502364 (VCV002502364.1), dbSNP rs2528153956, ClinGen allele CA344080721.

ClinVar aggregate classification (germline): Uncertain significance (1 of 4 stars; one submission).

Conditions:
Developmental and epileptic encephalopathy, 57. Also called: EPILEPTIC ENCEPHALOPATHY, EARLY INFANTILE, 57. Identifiers: MedGen C4540411, MONDO:0033366, OMIM 617771.

Submission:

Institute of Human Genetics, University of Leipzig Medical Center
Classification: Uncertain significance for Developmental and epileptic encephalopathy, 57. Last evaluated: 2023-04-19. Review status: criteria provided, single submitter. Criteria: ACMG Guidelines, 2015. Collection method: clinical testing. Allele origin: unknown. Affected: yes.
Comment: _x000D_ Criteria applied: PVS1_STR, PM2_SUP, BS2